The following is an entry in ClinVar:

ClinVar aggregate classification (germline): Uncertain significance (1 of 4 stars; one submission).

Conditions:
Hereditary cancer-predisposing syndrome. Also called: Neoplastic Syndromes, Hereditary; Tumor predisposition; Hereditary Cancer Syndrome; Hereditary neoplastic syndrome. Identifiers: Orphanet 140162, MedGen C0027672, MeSH D009386, MONDO:0015356.

Submission:

Ambry Genetics
Classification: Uncertain significance for Hereditary cancer-predisposing syndrome. Last evaluated: 2023-03-28. Review status: criteria provided, single submitter. Criteria: Ambry Variant Classification Scheme 2023. Collection method: clinical testing. Allele origin: germline.
Comment: The p.P65S variant (also known as c.193C>T), located in coding exon 1 of the SMARCA4 gene, results from a C to T substitution at nucleotide position 193. The proline at codon 65 is replaced by serine, an amino acid with similar properties. This amino acid position is well conserved in available vertebrate species. In addition, this alteration is predicted to be tolerated by in silico analysis. Missense and in-frame variants in SMARCA4 are known to cause neurodevelopmental disorders; however, such associations with rhabdoid tumor predisposition syndrome including small cell carcinoma of the ovary-hypercalcemic type (SCCOHT) are exceedingly rare (Kosho T et al. Am J Med Genet C Semin Med Genet. 2014 Sep;166C(3):262-75; Jelinic P et al. Nat Genet. 2014 May;46(5):424-6). Based on the supporting evidence, the association of this alteration with Coffin-Siris syndrome is unknown; however, the association of this alteration with rhabdoid tumor predisposition syndrome is unlikely.

NM_003072.5(SMARCA4):c.193C>T (p.Pro65Ser)

Gene: SMARCA4 (SWI/SNF related BAF chromatin remodeling complex subunit ATPase 4; plus strand). Cytogenetic location: 19p13.2.
Variant type: single nucleotide variant.
Coding change: c.193C>T on transcript NM_003072.5 (MANE Select); coding-DNA position 193, C replaced by T.
Protein change: p.Pro65Ser; replaces proline 65 with serine.
Molecular consequence: missense variant. On other transcripts: non-coding transcript variant (1).
Genome position (GRCh38, 1-based): chr19:10,984,344, C>T. VCF-style: chr19-10984344-C-T. GRCh37 (hg19) VCF-style: chr19-11095020-C-T.
Other names: c.193C>T, p.Pro65Ser (NM_001128844.3, NM_001128845.2, NM_001128846.2 and 6 more transcripts); short protein forms P65S.
Identifiers: ClinVar variation 1783033 (VCV001783033.3), dbSNP rs2145726125, ClinGen allele CA404054616.